The following is an entry in ClinVar:

NM_080680.3(COL11A2):c.3277G>A (p.Gly1093Arg)

Gene: COL11A2 (collagen type XI alpha 2 chain; minus strand). Cytogenetic location: 6p21.32.
Variant type: single nucleotide variant.
Coding change: c.3277G>A on transcript NM_080680.3 (MANE Select); coding-DNA position 3277, G replaced by A.
Protein change: p.Gly1093Arg; replaces glycine 1093 with arginine.
Molecular consequence: missense variant.
Genome position (GRCh38, 1-based): chr6:33,171,306, C>T on the plus strand (G>A on the coding strand, the complement: COL11A2 is on the minus strand). VCF-style: chr6-33171306-C-T. GRCh37 (hg19) VCF-style: chr6-33139083-C-T.
Other names: c.3097G>A, p.Gly1033Arg (NM_001424108.1); c.2431G>A, p.Gly811Arg (NM_001424109.1); c.2251G>A, p.Gly751Arg (NM_001424110.1, NM_001424111.1); c.1231G>A, p.Gly411Arg (NM_001424112.1); c.2956G>A, p.Gly986Arg (NM_080679.3); c.3019G>A, p.Gly1007Arg (NM_080681.3); short protein forms G1007R, G1033R, G1093R, G411R, G751R, G811R, G986R.
Identifiers: ClinVar variation 3365082 (VCV003365082.3).

ClinVar aggregate classification (germline): Uncertain significance. Review status: criteria provided, multiple submitters, no conflicts (2 of 4 stars). 3 submissions from 3 submitters: Uncertain significance (3). Last evaluated 2025-10-03.

Conditions:
Monogenic hearing loss.

gnomAD v4.1: 4 of 1,614,130 alleles (0.00025%); highest among the groups gnomAD compares: East Asian, 0.0022%; no homozygotes.

Submissions (3):

Genetics Laboratory, Great Ormond Street Hospital NHS Foundation Trust, North Thames Genomic Laboratory Hub
Classification: Uncertain significance for Monogenic hearing loss. Last evaluated: 2025-10-03. Review status: criteria provided, single submitter. Criteria: ACGS Best Practice Guidelines for Variant Classification in Rare Disease 2024 v1.2. Collection method: clinical testing. Allele origin: germline. Affected: yes.
Comment: PM2_supporting, PP3_supporting, PM1_moderate

Labcorp Genetics (formerly Invitae), Labcorp
Classification: Uncertain significance. Last evaluated: 2025-09-26. Review status: criteria provided, single submitter. Criteria: Invitae Variant Classification Sherloc (09022015). Collection method: clinical testing. Allele origin: germline.
Comment: This sequence change replaces glycine, which is neutral and non-polar, with arginine, which is basic and polar, at codon 1093 of the COL11A2 protein (p.Gly1093Arg). This variant is present in population databases (no rsID available, gnomAD 0.006%). This variant has not been reported in the literature in individuals affected with COL11A2-related conditions. ClinVar contains an entry for this variant (Variation ID: 3365082). Invitae Evidence Modeling of protein sequence and biophysical properties (such as structural, functional, and spatial information, amino acid conservation, physicochemical variation, residue mobility, and thermodynamic stability) indicates that this missense variant is expected to disrupt COL11A2 protein function with a positive predictive value of 95%. In summary, the available evidence is currently insufficient to determine the role of this variant in disease. Therefore, it has been classified as a Variant of Uncertain Significance.

GeneDx
Classification: Uncertain significance. Last evaluated: 2023-12-04. Review status: criteria provided, single submitter. Criteria: GeneDx Variant Classification Process June 2021. Collection method: clinical testing. Allele origin: germline. Affected: yes.
Comment: Not observed at significant frequency in large population cohorts (gnomAD); In silico analysis supports that this missense variant has a deleterious effect on protein structure/function; Has not been previously published as pathogenic or benign to our knowledge